The following is an entry in ClinVar:

ClinVar aggregate classification (germline): Uncertain significance (1 of 4 stars; one submission).

Conditions:
SEMA3F-related disorder. Also called: SEMA3F-related condition.

gnomAD v4.1: 1 of 1,501,308 alleles (0.000067%); highest among the groups gnomAD compares: African/African-American, 0.0014%; no homozygotes.

Submission:

PreventionGenetics, part of Exact Sciences
Classification: Uncertain significance for SEMA3F-related condition. Last evaluated: 2025-10-14. Review status: criteria provided, single submitter. Criteria: ACMG Guidelines, 2015. Collection method: clinical testing. Allele origin: germline.
Comment: The SEMA3F c.2354C>G variant is predicted to result in the amino acid substitution p.Thr785Arg. To our knowledge, this variant has not been reported in the literature or in a large population database (gnomAD), indicating this variant is rare. At this time, the clinical significance of this variant is uncertain due to the absence of conclusive functional and genetic evidence.

NM_004186.5(SEMA3F):c.2354C>G (p.Thr785Arg)

Gene: SEMA3F (semaphorin 3F; plus strand). Cytogenetic location: 3p21.31.
Variant type: single nucleotide variant.
Coding change: c.2354C>G on transcript NM_004186.5 (MANE Select); coding-DNA position 2354, C replaced by G.
Protein change: p.Thr785Arg; replaces threonine 785 with arginine.
Molecular consequence: missense variant.
Genome position (GRCh38, 1-based): chr3:50,188,111, C>G. VCF-style: chr3-50188111-C-G. GRCh37 (hg19) VCF-style: chr3-50225544-C-G.
Other names: c.2057C>G, p.Thr686Arg (NM_001318798.2); c.2261C>G, p.Thr754Arg (NM_001318800.2); short protein forms T754R, T686R, T785R.
Identifiers: ClinVar variation 4977069 (VCV004977069.1).